The following is an entry in ClinVar:

NM_001164508.2(NEB):c.8372A>C (p.Glu2791Ala)

Gene: NEB (nebulin; minus strand). Cytogenetic location: 2q23.3.
Variant type: single nucleotide variant.
Coding change: c.8372A>C on transcript NM_001164508.2 (MANE Select); coding-DNA position 8372, A replaced by C.
Protein change: p.Glu2791Ala; replaces glutamic acid 2791 with alanine.
Molecular consequence: missense variant.
Genome position (GRCh38, 1-based): chr2:151,642,575, T>G on the plus strand (A>C on the coding strand, the complement: NEB is on the minus strand). VCF-style: chr2-151642575-T-G. GRCh37 (hg19) VCF-style: chr2-152499089-T-G.
Other names: c.8372A>C, p.Glu2791Ala (NM_001164507.2, NM_001271208.2, NM_004543.5); short protein forms E2791A.
Identifiers: ClinVar variation 1315165 (VCV001315165.3), dbSNP rs1414164577, ClinGen allele CA348812490.

ClinVar aggregate classification (germline): Uncertain significance. Review status: criteria provided, multiple submitters, no conflicts (2 of 4 stars). 2 submissions from 2 submitters: Uncertain significance (2). Last evaluated 2022-03-11.

Conditions:
Nemaline myopathy 2 (NEM2). Also called: Nemaline myopathy 2, autosomal recessive. Identifiers: MedGen C1850569, MONDO:0009725, OMIM 256030.

Allele frequency attached by ClinVar (database versions not stated): gnomAD exomes below 0.00001; gnomAD 0.00001.
gnomAD v4.1: 2 of 1,607,504 alleles (0.00012%); highest among the groups gnomAD compares: Admixed American, 0.0034%; no homozygotes.

Submissions (2):

Labcorp Genetics (formerly Invitae), Labcorp
Classification: Uncertain significance for Nemaline myopathy 2. Last evaluated: 2022-03-11. Review status: criteria provided, single submitter. Criteria: Invitae Variant Classification Sherloc (09022015). Collection method: clinical testing. Allele origin: germline.
Comment: This sequence change replaces glutamic acid, which is acidic and polar, with alanine, which is neutral and non-polar, at codon 2791 of the NEB protein (p.Glu2791Ala). This variant is present in population databases (no rsID available, gnomAD 0.003%). This variant has not been reported in the literature in individuals affected with NEB-related conditions. ClinVar contains an entry for this variant (Variation ID: 1315165). Algorithms developed to predict the effect of missense changes on protein structure and function are either unavailable or do not agree on the potential impact of this missense change (SIFT: "Deleterious"; PolyPhen-2: "Not Available"; Align-GVGD: "Class C0"). In summary, the available evidence is currently insufficient to determine the role of this variant in disease. Therefore, it has been classified as a Variant of Uncertain Significance.

GeneDx
Classification: Uncertain significance. Last evaluated: 2020-02-10. Review status: criteria provided, single submitter. Criteria: GeneDx Variant Classification Process June 2021. Collection method: clinical testing. Allele origin: germline. Affected: yes.
Comment: Not observed at a significant frequency in large population cohorts (Lek et al., 2016); In silico analysis supports that this missense variant has a deleterious effect on protein structure/function; Has not been previously published as pathogenic or benign to our knowledge